The following is an entry in ClinVar:

NM_001276270.2(MBD4):c.387C>A (p.His129Gln)

Gene: MBD4 (methyl-CpG binding domain 4, DNA glycosylase; minus strand). Cytogenetic location: 3q21.3.
Variant type: single nucleotide variant.
Coding change: c.387C>A on transcript NM_001276270.2 (MANE Select); coding-DNA position 387, C replaced by A.
Protein change: p.His129Gln; replaces histidine 129 with glutamine.
Molecular consequence: missense variant. On other transcripts: intron variant (1).
Genome position (GRCh38, 1-based): chr3:129,437,257, G>T on the plus strand (C>A on the coding strand, the complement: MBD4 is on the minus strand). VCF-style: chr3-129437257-G-T. GRCh37 (hg19) VCF-style: chr3-129156100-G-T.
Other names: c.387C>A, p.His129Gln (NM_001276271.2, NM_001276272.2, NM_003925.3); c.247+551C>A (NM_001276273.2); short protein forms H129Q.
Identifiers: ClinVar variation 2876210 (VCV002876210.4), dbSNP rs1447801266, ClinGen allele CA354468159.

ClinVar aggregate classification (germline): Uncertain significance. Review status: criteria provided, multiple submitters, no conflicts (2 of 4 stars). 2 submissions from 2 submitters: Uncertain significance (2). Last evaluated 2025-10-16.

Conditions:
Inborn genetic diseases. Identifiers: MedGen C0950123, MeSH D030342.

Allele frequency attached by ClinVar (database versions not stated): gnomAD exomes below 0.00001.
gnomAD v4.1: 6 of 1,610,638 alleles (0.00037%); highest among the groups gnomAD compares: Middle Eastern, 0.017%; no homozygotes.

Submissions (2):

Labcorp Genetics (formerly Invitae), Labcorp
Classification: Uncertain significance. Last evaluated: 2025-10-16. Review status: criteria provided, single submitter. Criteria: Invitae Variant Classification Sherloc (09022015). Collection method: clinical testing. Allele origin: germline.
Comment: This sequence change replaces histidine, which is basic and polar, with glutamine, which is neutral and polar, at codon 129 of the MBD4 protein (p.His129Gln). This variant is not present in population databases (gnomAD no frequency). This variant has not been reported in the literature in individuals affected with MBD4-related conditions. ClinVar contains an entry for this variant (Variation ID: 2876210). An algorithm developed to predict the effect of missense changes on protein structure and function (PolyPhen-2) suggests that this variant is likely to be disruptive. In summary, the available evidence is currently insufficient to determine the role of this variant in disease. Therefore, it has been classified as a Variant of Uncertain Significance.

Ambry Genetics
Classification: Uncertain significance for Inborn genetic diseases. Last evaluated: 2025-06-01. Review status: criteria provided, single submitter. Criteria: Ambry Variant Classification Scheme 2023. Collection method: clinical testing. Allele origin: germline.
Comment: The p.H129Q variant (also known as c.387C>A), located in coding exon 3 of the MBD4 gene, results from a C to A substitution at nucleotide position 387. The histidine at codon 129 is replaced by glutamine, an amino acid with highly similar properties. This amino acid position is conserved. In addition, this alteration is predicted to be tolerated by in silico analysis. Based on the available evidence, the clinical significance of this variant remains unclear.